The following is an entry in ClinVar:

ClinVar aggregate classification (germline): Uncertain significance (1 of 4 stars; one submission).

Conditions:
Dyskeratosis congenita, autosomal dominant 2. Identifiers: MedGen C3151443, MONDO:0013521, OMIM 613989.
Idiopathic Pulmonary Fibrosis. Also called: Idiopathic fibrosing alveolitis, chronic form; idiopathic fibrosing alveolitis. Identifiers: Orphanet 2032, MedGen C1800706, MeSH D054990, MONDO:0800504.

Submission:

Labcorp Genetics (formerly Invitae), Labcorp
Classification: Uncertain significance for Dyskeratosis congenita, autosomal dominant 2; Idiopathic Pulmonary Fibrosis. Last evaluated: 2021-08-23. Review status: criteria provided, single submitter. Criteria: Invitae Variant Classification Sherloc (09022015). Collection method: clinical testing. Allele origin: germline.
Comment: In summary, the available evidence is currently insufficient to determine the role of this variant in disease. Therefore, it has been classified as a Variant of Uncertain Significance. Advanced modeling of protein sequence and biophysical properties (such as structural, functional, and spatial information, amino acid conservation, physicochemical variation, residue mobility, and thermodynamic stability) performed at Invitae indicates that this missense variant is not expected to disrupt TERT protein function. This variant has not been reported in the literature in individuals affected with TERT-related conditions. This variant is not present in population databases (ExAC no frequency). This sequence change replaces alanine with glycine at codon 913 of the TERT protein (p.Ala913Gly). The alanine residue is weakly conserved and there is a small physicochemical difference between alanine and glycine.

NM_198253.3(TERT):c.2738C>G (p.Ala913Gly)

Gene: TERT (telomerase reverse transcriptase; minus strand). Cytogenetic location: 5p15.33.
Variant type: single nucleotide variant.
Coding change: c.2738C>G on transcript NM_198253.3 (MANE Select); coding-DNA position 2738, C replaced by G.
Protein change: p.Ala913Gly; replaces alanine 913 with glycine.
Molecular consequence: missense variant. On other transcripts: intron variant (1).
Genome position (GRCh38, 1-based): chr5:1,264,509, G>C on the plus strand (C>G on the coding strand, the complement: TERT is on the minus strand). VCF-style: chr5-1264509-G-C. GRCh37 (hg19) VCF-style: chr5-1264624-G-C.
Other names: c.2654+1955C>G (NM_001193376.3); short protein forms A913G.
Identifiers: ClinVar variation 1490750 (VCV001490750.6), dbSNP rs2126595114, ClinGen allele CA359071943.